The following is an entry in ClinVar:

ClinVar aggregate classification (germline): Uncertain significance. Review status: criteria provided, multiple submitters, no conflicts (2 of 4 stars). 2 submissions from 2 submitters: Uncertain significance (2). Last evaluated 2026-02-11.

Conditions:
Hereditary cancer-predisposing syndrome. Also called: Neoplastic Syndromes, Hereditary; Tumor predisposition; Hereditary Cancer Syndrome; Hereditary neoplastic syndrome. Identifiers: Orphanet 140162, MedGen C0027672, MeSH D009386, MONDO:0015356.
Neuroblastoma, susceptibility to, 3. Also called: ALK-Related Neuroblastic Tumor Susceptibility. Identifiers: Orphanet 635, MedGen C2751681, MONDO:0013083, OMIM 613014.

Allele frequency attached by ClinVar (database versions not stated): gnomAD exomes below 0.00001.
gnomAD v4.1: 3 of 1,614,116 alleles (0.00019%); highest among the groups gnomAD compares: Non-Finnish European, 0.00025%; no homozygotes.

Submissions (2):

Ambry Genetics
Classification: Uncertain significance for Hereditary cancer-predisposing syndrome. Last evaluated: 2026-02-11. Review status: criteria provided, single submitter. Criteria: Ambry Variant Classification Scheme 2023. Collection method: clinical testing. Allele origin: germline.
Comment: The p.L389F variant (also known as c.1165C>T), located in coding exon 5 of the ALK gene, results from a C to T substitution at nucleotide position 1165. The leucine at codon 389 is replaced by phenylalanine, an amino acid with highly similar properties. This amino acid position is highly conserved in available vertebrate species. In addition, this alteration is predicted to be tolerated by in silico analysis. Based on the available evidence, the clinical significance of this variant remains unclear.

Labcorp Genetics (formerly Invitae), Labcorp
Classification: Uncertain significance for Neuroblastoma, susceptibility to, 3. Last evaluated: 2025-04-08. Review status: criteria provided, single submitter. Criteria: Invitae Variant Classification Sherloc (09022015). Collection method: clinical testing. Allele origin: germline.
Comment: This sequence change replaces leucine, which is neutral and non-polar, with phenylalanine, which is neutral and non-polar, at codon 389 of the ALK protein (p.Leu389Phe). This variant is not present in population databases (gnomAD no frequency). This variant has not been reported in the literature in individuals affected with ALK-related conditions. ClinVar contains an entry for this variant (Variation ID: 1957542). An algorithm developed to predict the effect of missense changes on protein structure and function (PolyPhen-2) suggests that this variant is likely to be disruptive. In summary, the available evidence is currently insufficient to determine the role of this variant in disease. Therefore, it has been classified as a Variant of Uncertain Significance.

NM_004304.5(ALK):c.1165C>T (p.Leu389Phe)

Gene: ALK (ALK receptor tyrosine kinase; minus strand). Cytogenetic location: 2p23.2.
Variant type: single nucleotide variant.
Coding change: c.1165C>T on transcript NM_004304.5 (MANE Select); coding-DNA position 1165, C replaced by T.
Protein change: p.Leu389Phe; replaces leucine 389 with phenylalanine.
Molecular consequence: missense variant.
Genome position (GRCh38, 1-based): chr2:29,383,849, G>A on the plus strand (C>T on the coding strand, the complement: ALK is on the minus strand). VCF-style: chr2-29383849-G-A. GRCh37 (hg19) VCF-style: chr2-29606715-G-A.
Other names: c.1165C>T (NM_004304.4); short protein forms L389F.
Identifiers: ClinVar variation 1957542 (VCV001957542.6), dbSNP rs2148301774, ClinGen allele CA346585507.